The following is an entry in ClinVar:

NM_001387430.1(SH2B1):c.2001G>A (p.Ala667=)

Gene: SH2B1 (SH2B adaptor protein 1; plus strand). Cytogenetic location: 16p11.2.
Variant type: single nucleotide variant.
Coding change: c.2001G>A on transcript NM_001387430.1 (MANE Select); coding-DNA position 2001, G replaced by A.
Protein change: p.Ala667=; no amino-acid change (alanine 667 retained).
Molecular consequence: synonymous variant. On other transcripts: 3 prime UTR variant (5).
Genome position (GRCh38, 1-based): chr16:28,873,550, G>A. VCF-style: chr16-28873550-G-A. GRCh37 (hg19) VCF-style: chr16-28884871-G-A.
Other names: c.2001G>A, p.Ala667= (NM_001145795.2, NM_001308293.2, NM_001387404.1); c.*85G>A (NM_001145796.2, NM_001145812.2, NM_001308294.2 and 1 more transcripts); c.*102G>A (NM_001145797.2).
Identifiers: ClinVar variation 3058210 (VCV003058210.2), dbSNP rs759796129, ClinGen allele CA7986423.

ClinVar aggregate classification (germline): Likely benign (0 of 4 stars; one submission).

Conditions:
SH2B1-related disorder. Also called: SH2B1-related condition.

Allele frequency attached by ClinVar (database versions not stated): TOPMed below 0.00001; gnomAD 0.00001; gnomAD exomes 0.00001; ExAC 0.00003.
gnomAD v4.1: 11 of 1,602,364 alleles (0.00069%); highest among the groups gnomAD compares: Admixed American, 0.0034%; no homozygotes.

Submission:

PreventionGenetics, part of Exact Sciences
Classification: Likely benign for SH2B1-related condition. Last evaluated: 2021-07-01. Review status: no assertion criteria provided. Collection method: clinical testing. Allele origin: germline.
Comment: This variant is classified as likely benign based on ACMG/AMP sequence variant interpretation guidelines (Richards et al. 2015 PMID: 25741868, with internal and published modifications).